The following is an entry in ClinVar:

ClinVar aggregate classification (germline): Uncertain significance (1 of 4 stars; one submission).

Submission:

Women's Health and Genetics/Laboratory Corporation of America, LabCorp
Classification: Uncertain significance. Last evaluated: 2024-12-03. Review status: criteria provided, single submitter. Criteria: LabCorp Variant Classification Summary - May 2015. Collection method: clinical testing. Allele origin: germline.
Comment: Variant summary: TUBA1A c.-16_-6del11 is located in the untranslated mRNA region upstream of the initiation codon. The variant was absent in 251412 control chromosomes (gnomAD). The available data on variant occurrences in the general population are insufficient to allow any conclusion about variant significance. To our knowledge, no occurrence of c.-16_-6del11 in individuals affected with Lissencephaly due To TUBA1A mutation and no experimental evidence demonstrating its impact on protein function have been reported. No submitters have cited clinical-significance assessments for this variant to ClinVar. Based on the evidence outlined above, the variant was classified as uncertain significance.

NM_006009.4(TUBA1A):c.-16_-6del

Gene: TUBA1A (tubulin alpha 1a; minus strand). Cytogenetic location: 12q13.12.
Variant type: Deletion.
Coding change: c.-16_-6del on transcript NM_006009.4 (MANE Select); 16 bases upstream of the start codon through 6 bases upstream of the start codon, 11 bases deleted (TCGCGAAGCAG).
Molecular consequence: 5 prime UTR variant.
Genome position (GRCh38, 1-based): chr12:49,188,985-49,188,995, CTGCTTCGCGA deleted on the plus strand (TCGCGAAGCAG on the coding strand, the reverse complement: TUBA1A is on the minus strand); deleting any 11 consecutive bases within chr12:49,188,985-49,188,999 gives the same sequence; the c. name uses the placement nearest the transcript's 3' end. VCF-style (leftmost placement, unchanged base first): chr12-49188984-GCTGCTTCGCGA-G. GRCh37 (hg19) VCF-style: chr12-49582767-GCTGCTTCGCGA-G.
Other names: c.-576_-566del (NM_001270399.2); c.-209_-199del (NM_001270400.2); c.-16_-6del11 (NM_006009.4).
Identifiers: ClinVar variation 3768330 (VCV003768330.1).